The following is an entry in ClinVar:

NM_001365999.1(SZT2):c.6380A>T (p.Tyr2127Phe)

Gene: SZT2 (SZT2 subunit of KICSTOR complex; plus strand). Cytogenetic location: 1p34.2.
Variant type: single nucleotide variant.
Coding change: c.6380A>T on transcript NM_001365999.1 (MANE Select); coding-DNA position 6380, A replaced by T.
Protein change: p.Tyr2127Phe; replaces tyrosine 2127 with phenylalanine.
Molecular consequence: missense variant.
Genome position (GRCh38, 1-based): chr1:43,437,684, A>T. VCF-style: chr1-43437684-A-T. GRCh37 (hg19) VCF-style: chr1-43903355-A-T.
Other names: c.6209A>T, p.Tyr2070Phe (NM_015284.4); short protein forms Y2070F, Y2127F.
Identifiers: ClinVar variation 212366 (VCV000212366.53), dbSNP rs149812437, ClinGen allele CA205252.
Genomic context (GRCh38, chr1:43,437,684, plus strand): 5'-CATGGAAAGGGGATGCGCTGCCCCCTTCCCTCGCTCTGTCCCGAAGCCAAGAGCCCATCT[A>T]CTCTGAGGAAGCCTCGGCATGTATCACTCCCACTCTCTGATGCCCCTGTGTTCCTCTTGC-3'
Protein context (NP_001352928.1, residues 2117-2137): LALSRSQEPI[Tyr2127Phe]SEEASGPRSP

ClinVar aggregate classification (germline): Conflicting classifications of pathogenicity. Review status: criteria provided, conflicting classifications (1 of 4 stars). 10 submissions from 10 submitters: Uncertain significance (1); Likely benign (8). 1 of the submissions does not count toward it. Last evaluated 2026-02-02.

Conditions:
SZT2-related disorder. Also called: SZT2-related condition.
Inborn genetic diseases. Identifiers: MedGen C0950123, MeSH D030342.
Developmental and epileptic encephalopathy, 18 (DEE18). Also called: Early infantile epileptic encephalopathy 18. Identifiers: Orphanet 369894, MedGen C3809624, MONDO:0014201, OMIM 615476.

Allele frequency attached by ClinVar (database versions not stated): 1000 Genomes Project 0.00160; 1000 Genomes Project 30x 0.00172; gnomAD 0.00186 and 0.00200; TOPMed 0.00195; ESP Exome Variant Server 0.00246.
gnomAD v4.1: 622 of 1,613,352 alleles (0.039%); highest among the groups gnomAD compares: African/African-American, 0.64%; 2 homozygotes.

Submissions (10):

Labcorp Genetics (formerly Invitae), Labcorp
Classification: Likely benign. Last evaluated: 2026-02-02. Review status: criteria provided, single submitter. Criteria: Invitae Variant Classification Sherloc (09022015). Collection method: clinical testing. Allele origin: germline.

CeGaT Center for Human Genetics Tuebingen
Classification: Likely benign. Last evaluated: 2026-01-01. Review status: criteria provided, single submitter. Criteria: CeGaT Center For Human Genetics Tuebingen Variant Classification Criteria Version 2. Collection method: clinical testing. Allele origin: germline. Affected: yes. Observed: 3 variant alleles.
Comment: SZT2: BP4

Women's Health and Genetics/Laboratory Corporation of America, LabCorp
Classification: Likely benign. Last evaluated: 2025-11-19. Review status: criteria provided, single submitter. Criteria: LabCorp Variant Classification Summary - May 2015. Collection method: clinical testing. Allele origin: germline.
Comment: Variant summary: SZT2 c.6209A>T (p.Tyr2070Phe) results in a conservative amino acid change in the encoded protein sequence. Algorithms developed to predict the effect of missense changes on protein structure and function all suggest that this variant is likely to be tolerated. The variant allele was found at a frequency of 0.00051 in 251304 control chromosomes, predominantly at a frequency of 0.0061 within the African or African-American subpopulation in the gnomAD database. The observed variant frequency within African or African-American control individuals in the gnomAD database exceeds the estimated maximal expected allele frequency for disease-causing variants in SZT2. To our knowledge, no occurrence of c.6209A>T in individuals affected with SZT2-related conditions and no experimental evidence demonstrating its impact on protein function have been reported. ClinVar contains an entry for this variant (Variation ID: 212366). Based on the evidence outlined above, the variant was classified as likely benign.

ARUP Laboratories, Molecular Genetics and Genomics, ARUP Laboratories
Classification: Likely benign for Developmental and epileptic encephalopathy, 18. Last evaluated: 2025-04-08. Review status: criteria provided, single submitter. Criteria: ARUP Molecular Germline Variant Investigation Process 2024. Collection method: clinical testing. Allele origin: germline.

Blueprint Genetics
Classification: Likely benign. Last evaluated: 2024-10-22. Review status: criteria provided, single submitter. Criteria: ACMG Guidelines, 2015. Collection method: clinical testing. Allele origin: germline.

Athena Diagnostics
Classification: Likely benign. Last evaluated: 2024-10-08. Review status: criteria provided, single submitter. Criteria: Athena Diagnostics Criteria. Collection method: clinical testing. Allele origin: unknown.

Ambry Genetics
Classification: Likely benign for Inborn genetic diseases. Last evaluated: 2021-08-17. Review status: criteria provided, single submitter. Criteria: Ambry Variant Classification Scheme 2023. Collection method: clinical testing. Allele origin: germline.

GeneDx
Classification: Likely benign. Last evaluated: 2020-12-15. Review status: criteria provided, single submitter. Criteria: GeneDx Variant Classification Process June 2021. Collection method: clinical testing. Allele origin: germline. Affected: yes.

Genetic Services Laboratory, University of Chicago
Classification: Uncertain significance. Last evaluated: 2015-04-06. Review status: criteria provided, single submitter. Criteria: ACMG Guidelines, 2015. Collection method: clinical testing. Allele origin: germline.

PreventionGenetics, part of Exact Sciences
Classification: Likely benign for SZT2-related condition. Last evaluated: 2020-03-23. Review status: no assertion criteria provided. Collection method: clinical testing. Allele origin: germline. Not counted in ClinVar's aggregate classification.
Comment: This variant is classified as likely benign based on ACMG/AMP sequence variant interpretation guidelines (Richards et al. 2015 PMID: 25741868, with internal and published modifications).